The following is an entry in ClinVar:

ClinVar aggregate classification (germline): Pathogenic. Review status: criteria provided, multiple submitters, no conflicts (2 of 4 stars). 4 submissions from 4 submitters: Pathogenic (3). 1 of the submissions does not count toward it. Last evaluated 2025-08-04.

Conditions:
Von Hippel-Lindau syndrome (VHLS). Also called: Von Hippel-Lindau; von Hippel–Lindau syndrome; VHL syndrome. Identifiers: Orphanet 892, MedGen C0019562, MONDO:0008667, OMIM 193300. Disease mechanism: loss of function.
Chuvash polycythemia. Also called: POLYCYTHEMIA, VHL-DEPENDENT. Identifiers: Orphanet 238557, MedGen C1837915, MONDO:0009892, OMIM 263400.
Hereditary cancer-predisposing syndrome. Also called: Tumor predisposition; Hereditary neoplastic syndrome; Neoplastic Syndromes, Hereditary; Hereditary Cancer Syndrome. Identifiers: Orphanet 140162, MedGen C0027672, MeSH D009386, MONDO:0015356.

gnomAD v4.1: 1 of 1,607,444 alleles (0.000062%); highest among the groups gnomAD compares: Non-Finnish European, 0.000085%; no homozygotes.

Submissions (4):

Ambry Genetics
Classification: Pathogenic for Hereditary cancer-predisposing syndrome. Last evaluated: 2025-08-04. Review status: criteria provided, single submitter. Criteria: Ambry Variant Classification Scheme 2023. Collection method: clinical testing. Allele origin: germline.
Comment: The p.Q73* pathogenic mutation (also known as c.217C>T), located in coding exon 1 of the VHL gene, results from a C to T substitution at nucleotide position 217. This changes the amino acid from a glutamine to a stop codon within coding exon 1. This variant was reported in individuals with features consistent with von Hippel-Lindau syndrome; in at least one individual, it was determined to be de novo (Kotsis F et al. J Kidney Cancer VHL, 2024 Nov;11:15-27; Hwang S et al. J Hum Genet, 2014 Sep;59:488-93; Gomy I et al. Fam Cancer, 2010 Dec;9:635-42; Chen F et al. Hum Mutat, 1995;5:66-75; Ambry internal data). This variant is considered to be rare based on population cohorts in the Genome Aggregation Database (gnomAD). This alteration is expected to result in loss of function by premature protein truncation or nonsense-mediated mRNA decay. As such, this alteration is interpreted as a disease-causing mutation.

Labcorp Genetics (formerly Invitae), Labcorp
Classification: Pathogenic for Von Hippel-Lindau syndrome; Chuvash polycythemia. Last evaluated: 2024-11-18. Review status: criteria provided, single submitter. Criteria: Invitae Variant Classification Sherloc (09022015). Collection method: clinical testing. Allele origin: germline.
Comment: This sequence change creates a premature translational stop signal (p.Gln73*) in the VHL gene. It is expected to result in an absent or disrupted protein product. Loss-of-function variants in VHL are known to be pathogenic (PMID: 8956040, 12202531). This variant is not present in population databases (gnomAD no frequency). This premature translational stop signal has been observed in individuals with von Hippel-Lindau disease (PMID: 7728151, 27527340). This variant is also known as a stop at codon 144. ClinVar contains an entry for this variant (Variation ID: 223164). For these reasons, this variant has been classified as Pathogenic.

PreventionGenetics, part of Exact Sciences
Classification: Pathogenic. Last evaluated: 2016-12-27. Review status: criteria provided, single submitter. Criteria: ACMG Guidelines, 2015. Collection method: clinical testing. Allele origin: germline.

Genomic Diagnostic Laboratory, Division of Genomic Diagnostics, Children's Hospital of Philadelphia
Classification: Pathogenic for Von Hippel-Lindau syndrome. Last evaluated: 2016-02-26. Review status: no assertion criteria provided. Collection method: clinical testing. Allele origin: germline. Affected: yes. Observed: 3 variant alleles. Not counted in ClinVar's aggregate classification.

Literature cited by the submitters: PubMed 20567917 (cited by Ambry Genetics); PubMed 25078357 (cited by Ambry Genetics); PubMed 39588063 (cited by Ambry Genetics); PubMed 7728151 (cited by Ambry Genetics and Labcorp Genetics (formerly Invitae), Labcorp); PubMed 8956040 (cited by Labcorp Genetics (formerly Invitae), Labcorp); PubMed 12202531 (cited by Labcorp Genetics (formerly Invitae), Labcorp); PubMed 27527340 (cited by Labcorp Genetics (formerly Invitae), Labcorp).

NM_000551.4(VHL):c.217C>T (p.Gln73Ter)

Gene: VHL (von Hippel-Lindau tumor suppressor; plus strand). Cytogenetic location: 3p25.3.
Variant type: single nucleotide variant.
Coding change: c.217C>T on transcript NM_000551.4 (MANE Select); coding-DNA position 217, C replaced by T.
Protein change: p.Gln73Ter; replaces glutamine 73 with a stop codon.
Molecular consequence: nonsense.
Genome position (GRCh38, 1-based): chr3:10,142,064, C>T. VCF-style: chr3-10142064-C-T. GRCh37 (hg19) VCF-style: chr3-10183748-C-T.
Other names: c.217C>T, p.Gln73Ter (NM_001354723.2, NM_198156.3); short protein forms Q73*.
Identifiers: ClinVar variation 223164 (VCV000223164.12), dbSNP rs869025619, ClinGen allele CA357036.